The following is an entry in ClinVar:

NM_000071.3(CBS):c.209+2dup

Gene: CBS (cystathionine beta-synthase; minus strand). Cytogenetic location: 21q22.3.
Variant type: Duplication.
Coding change: c.209+2dup on transcript NM_000071.3 (MANE Select); the canonical splice donor site of the intron after coding-DNA position 209, one base duplicated (T; older notation c.209+2dupT).
Molecular consequence: splice donor variant.
Genome position (GRCh38, 1-based): chr21:43,071,983, A duplicated on the plus strand (T on the coding strand, the reverse complement: CBS is on the minus strand). VCF-style (leftmost placement, unchanged base first): chr21-43071982-T-TA. GRCh37 (hg19) VCF-style: chr21-44492092-T-TA.
Other names: c.209+2dup (NM_001320298.2, NM_001178009.3, NM_001178008.3).
Identifiers: ClinVar variation 1785728 (VCV001785728.2), dbSNP rs2517482521, ClinGen allele CA2580098732.
Genomic context (GRCh38, chr21:43,071,982, plus strand): 5'-GGTAACAAACTCCTGCCCTCCAGGTTATGGATCAGCCCTCTTGTGATCAAAAGCAGGACT[T>TA]ACGGGGCAGTGTGGTGATGTGGGGACTCGGAGGCAGGCCGGCCCAGCTGCCAGGTGCACC-3'

ClinVar aggregate classification (germline): Uncertain significance (1 of 4 stars; one submission).

Conditions:
Familial thoracic aortic aneurysm and aortic dissection (TAAD). Also called: Thoracic aortic aneurysms and dissections. Identifiers: Orphanet 91387, MedGen C4707243, MONDO:0019625.

Submission:

Ambry Genetics
Classification: Uncertain significance for Familial thoracic aortic aneurysm and aortic dissection. Last evaluated: 2022-06-16. Review status: criteria provided, single submitter. Criteria: Ambry Variant Classification Scheme 2023. Collection method: clinical testing. Allele origin: germline.
Comment: The c.209+2dupT intronic variant, results from a duplication of two nucleotides at nucleotide position 209 after intron 1 of the CBS gene. This nucleotide position is highly conserved in available vertebrate species. In silico splice site analysis predicts that this alteration will weaken the native splice donor site. Since supporting evidence is limited at this time, the clinical significance of this alteration remains unclear.